The following is an entry in ClinVar:

NM_133497.4(KCNV2):c.1388T>C (p.Met463Thr)

Gene: KCNV2 (potassium voltage-gated channel modifier subfamily V member 2; plus strand). Cytogenetic location: 9p24.2.
Variant type: single nucleotide variant.
Coding change: c.1388T>C on transcript NM_133497.4 (MANE Select); coding-DNA position 1388, T replaced by C.
Protein change: p.Met463Thr; replaces methionine 463 with threonine.
Molecular consequence: missense variant.
Genome position (GRCh38, 1-based): chr9:2,729,477, T>C. VCF-style: chr9-2729477-T-C. GRCh37 (hg19) VCF-style: chr9-2729477-T-C.
Other names: short protein forms M463T.
Identifiers: ClinVar variation 1513145 (VCV001513145.8), dbSNP rs773096508, ClinGen allele CA4965909.
Genomic context (GRCh38, chr9:2,729,477, plus strand): 5'-AATTCCATCCTGCTTTCCTTCCTCTACAGGTGAGCATCTCCACCGTGGGCTACGGAGACA[T>C]GTACCCAGAGACCCACCTGGGCAGGTTTTTTGCCTTCCTCTGCATTGCTTTTGGGATCAT-3'
Protein context (NP_598004.1, residues 453-473): VSISTVGYGD[Met463Thr]YPETHLGRFF

ClinVar aggregate classification (germline): Uncertain significance. Review status: criteria provided, multiple submitters, no conflicts (2 of 4 stars). 2 submissions from 2 submitters: Uncertain significance (2). Last evaluated 2024-10-14.

Allele frequency attached by ClinVar (database versions not stated): TOPMed 0.00001; ExAC 0.00003.

Submissions (2):

Labcorp Genetics (formerly Invitae), Labcorp
Classification: Uncertain significance. Last evaluated: 2024-10-14. Review status: criteria provided, single submitter. Criteria: Invitae Variant Classification Sherloc (09022015). Collection method: clinical testing. Allele origin: germline.
Comment: This sequence change replaces methionine, which is neutral and non-polar, with threonine, which is neutral and polar, at codon 463 of the KCNV2 protein (p.Met463Thr). This variant is present in population databases (rs773096508, gnomAD 0.004%). This variant has not been reported in the literature in individuals affected with KCNV2-related conditions. ClinVar contains an entry for this variant (Variation ID: 1513145). Invitae Evidence Modeling of protein sequence and biophysical properties (such as structural, functional, and spatial information, amino acid conservation, physicochemical variation, residue mobility, and thermodynamic stability) indicates that this missense variant is not expected to disrupt KCNV2 protein function with a negative predictive value of 95%. In summary, the available evidence is currently insufficient to determine the role of this variant in disease. Therefore, it has been classified as a Variant of Uncertain Significance.

Blueprint Genetics
Classification: Uncertain significance. Last evaluated: 2023-05-26. Review status: criteria provided, single submitter. Criteria: ACMG Guidelines, 2015. Collection method: clinical testing. Allele origin: germline.